The following is an entry in ClinVar:

ClinVar aggregate classification (germline): Conflicting classifications of pathogenicity. Review status: criteria provided, conflicting classifications (1 of 4 stars). 10 submissions from 10 submitters: Uncertain significance (2); Benign (2); Likely benign (4). 2 of the submissions do not count toward it. Last evaluated 2026-01-08.

Conditions:
RAD51-related disorder. Also called: RAD51-related disorders; RAD51-related condition.
Hereditary cancer. Identifiers: MedGen C1333600.
Familial cancer of breast. Also called: Hereditary breast cancer; BREAST CANCER, FAMILIAL; hereditary breast carcinoma. Identifiers: Orphanet 227535, MedGen C0346153, MONDO:0016419, OMIM 114480. Disease mechanism: loss of function.

Allele frequency attached by ClinVar (database versions not stated): gnomAD exomes 0.00037; ExAC 0.00044; 1000 Genomes Project 30x 0.00078; 1000 Genomes Project 0.00080; TOPMed 0.00155; gnomAD 0.00158 and 0.00171.

Submissions (11):

Labcorp Genetics (formerly Invitae), Labcorp
Classification: Benign. Last evaluated: 2026-01-08. Review status: criteria provided, single submitter. Criteria: Invitae Variant Classification Sherloc (09022015). Collection method: clinical testing. Allele origin: germline.

CeGaT Center for Human Genetics Tuebingen
Classification: Likely benign. Last evaluated: 2026-01-01. Review status: criteria provided, single submitter. Criteria: CeGaT Center For Human Genetics Tuebingen Variant Classification Criteria Version 2. Collection method: clinical testing. Allele origin: germline. Affected: yes. Observed: 1 variant allele.
Comment: RAD51: PP2, BP4, BS1

GeneDx
Classification: Uncertain significance. Last evaluated: 2025-05-14. Review status: criteria provided, single submitter. Criteria: GeneDx Variant Classification Process June 2021. Collection method: clinical testing. Allele origin: germline. Affected: yes.
Comment: Observed in individuals with breast cancer but also in controls (PMID: 10807537, 23300655, 28864920, 32019277); Published functional studies are inconclusive: retention of polymer formation, decreased single strand and double strand DNA binding activities, and conflicting ATP-hydrolyzing activity (PMID: 17666788, 25539919); In silico analysis suggests that this missense variant does not alter protein structure/function; This variant is associated with the following publications: (PMID: 17666788, 10807537, 25539919, 23300655, 28864920, 27153395, 16762046, 32019277, 30271574, 31589614, 35534704, 35273153, 37588055)

3billion
Classification: Uncertain significance for Familial cancer of breast. Last evaluated: 2025-02-19. Review status: criteria provided, single submitter. Criteria: ACMG Guidelines, 2015. Collection method: clinical testing. Allele origin: germline. Affected: yes.
Comment: The variant is observed at an allele frequency greater than expected for the associated disorder in the gnomAD v4.1.0 dataset. The variant is observed as heterozygous in at least one individual/adult in the gnomAD v4.1.0 dataset. Predicted Consequence/Location: Missense variant In silico tool predictions suggest damaging effect of the variant on gene or gene product [3Cnet: 0.67 (>=0.6, sensitivity 0.72 and precision 0.9)]. The variant has been reported at least twice as benign with clinical assertions and evidence for the classification (ClinVar ID: VCV000013127). However, the variant has been reported to be associated with bilateral breast cancer (PMID: 10807537). Therefore, this variant is classified as VUS according to the recommendation of ACMG/AMP guideline.

Blueprint Genetics
Classification: Likely benign. Last evaluated: 2024-02-23. Review status: criteria provided, single submitter. Criteria: ACMG Guidelines, 2015. Collection method: clinical testing. Allele origin: germline.

Mendelics
Classification: Likely benign for Hereditary cancer. Last evaluated: 2024-01-23. Review status: criteria provided, single submitter. Criteria: ACMG Guidelines, 2015. Collection method: clinical testing. Allele origin: unknown.

H3Africa Consortium
Classification: Benign. Last evaluated: 2020-10-28. Review status: criteria provided, single submitter. Criteria: Choudhury A et al. (Nature 2020). Collection method: research. Allele origin: germline. Inheritance: Autosomal dominant inheritance. Study: H3Africa.
Comment: While the frequency of the alternate allele in gnoMAD v2.0.2 is 0.052, its frequency in African populations is >5%. This suggests that previous classifications of this variant as pathogenic are in error.

Genetic Services Laboratory, University of Chicago
Classification: Likely benign. Last evaluated: 2018-03-06. Review status: criteria provided, single submitter. Criteria: ACMG Guidelines, 2015. Collection method: clinical testing. Allele origin: germline. Affected: no.

PreventionGenetics, part of Exact Sciences
Classification: Likely benign for RAD51-related condition. Last evaluated: 2020-04-14. Review status: no assertion criteria provided. Collection method: clinical testing. Allele origin: germline. Not counted in ClinVar's aggregate classification.
Comment: This variant is classified as likely benign based on ACMG/AMP sequence variant interpretation guidelines (Richards et al. 2015 PMID: 25741868, with internal and published modifications).

OMIM
Classification: Pathogenic for BREAST CANCER, FAMILIAL. Last evaluated: 2000-01-01. Review status: no assertion criteria provided. Collection method: literature only. Allele origin: germline. Not counted in ClinVar's aggregate classification.

Dr. Peter K. Rogan Lab, Western University
No classification provided (evidence only). Condition: Clear cell carcinoma of kidney. Review status: no classification provided. Collection method: in vitro. Allele origin: not applicable. Functional consequence: skipped exon. Not counted in ClinVar's aggregate classification.

Literature cited by the submitters: PubMed 10807537 (cited by OMIM).

NM_002875.5(RAD51):c.449G>A (p.Arg150Gln)

Gene: RAD51 (RAD51 recombinase; plus strand). Cytogenetic location: 15q15.1.
Variant type: single nucleotide variant.
Coding change: c.449G>A on transcript NM_002875.5 (MANE Select); coding-DNA position 449, G replaced by A.
Protein change: p.Arg150Gln; replaces arginine 150 with glutamine.
Molecular consequence: missense variant.
Genome position (GRCh38, 1-based): chr15:40,718,818, G>A. VCF-style: chr15-40718818-G-A. GRCh37 (hg19) VCF-style: chr15-41011016-G-A.
Other names: c.452G>A, p.Arg151Gln (NM_001164269.2, NM_133487.4); c.449G>A, p.Arg150Gln (NM_001164270.2); c.452G>A (NM_001164269.1); short protein forms R150Q, R151Q.
Identifiers: ClinVar variation 13127 (VCV000013127.30), dbSNP rs121917739, ClinGen allele CA256732.